The following is an entry in ClinVar:

NM_000284.4(PDHA1):c.1043_1053del (p.Asp348fs)

Gene: PDHA1 (pyruvate dehydrogenase E1 subunit alpha 1; plus strand). Cytogenetic location: Xp22.12.
Variant type: Deletion.
Coding change: c.1043_1053del on transcript NM_000284.4 (MANE Select); coding-DNA positions 1043 to 1053, 11 bases deleted (ATGCTGCCCAG).
Protein change: p.Asp348fs; shifts the reading frame from aspartic acid 348.
Molecular consequence: frameshift variant.
Genome position (GRCh38, 1-based): chrX:19,359,523-19,359,533, ATGCTGCCCAG deleted; deleting any 11 consecutive bases within chrX:19,359,522-19,359,533 gives the same sequence; the c. name uses the placement nearest the transcript's 3' end. VCF-style (leftmost placement, unchanged base first): chrX-19359521-GGATGCTGCCCA-G. GRCh37 (hg19) VCF-style: chrX-19377639-GGATGCTGCCCA-G.
Other names: c.1157_1167del, p.Asp386fs (NM_001173454.2); c.1064_1074del, p.Asp355fs (NM_001173455.2); c.950_960del, p.Asp317fs (NM_001173456.2); short protein forms D317fs, D386fs, D348fs, D355fs.
Identifiers: ClinVar variation 2121087 (VCV002121087.4), dbSNP rs2518507652, ClinGen allele CA2580100436.

ClinVar aggregate classification (germline): Pathogenic (1 of 4 stars; one submission).

Conditions:
Pyruvate dehydrogenase E1-alpha deficiency (PDHAD). Also called: Ataxia, intermittent, with pyruvate dehydrogenase, or decarboxylase, deficiency; ATAXIA, INTERMITTENT, WITH PYRUVATE DEHYDROGENASE DEFICIENCY; ATAXIA WITH LACTIC ACIDOSIS I; ATAXIA, INTERMITTENT, WITH ABNORMAL PYRUVATE METABOLISM. Identifiers: Orphanet 79243, MedGen C1839413, MONDO:0010717, OMIM 312170.

Submission:

Labcorp Genetics (formerly Invitae), Labcorp
Classification: Pathogenic for Pyruvate dehydrogenase E1-alpha deficiency. Last evaluated: 2022-04-03. Review status: criteria provided, single submitter. Criteria: Invitae Variant Classification Sherloc (09022015). Collection method: clinical testing. Allele origin: germline.
Comment: For these reasons, this variant has been classified as Pathogenic. This variant disrupts a region of the PDHA1 protein in which other variant(s) (p.Ser388*) have been determined to be pathogenic (PMID: 7981697, 21846590, 21914562, 29756269). This suggests that this is a clinically significant region of the protein, and that variants that disrupt it are likely to be disease-causing. This variant has not been reported in the literature in individuals affected with PDHA1-related conditions. This variant is not present in population databases (gnomAD no frequency). This sequence change creates a premature translational stop signal (p.Asp348Valfs*7) in the PDHA1 gene. While this is not anticipated to result in nonsense mediated decay, it is expected to disrupt the last 43 amino acid(s) of the PDHA1 protein.

Literature cited by the submitters: PubMed 7981697; PubMed 21846590; PubMed 21914562; PubMed 29756269.